The following is an entry in ClinVar:

ClinVar aggregate classification (germline): Conflicting classifications of pathogenicity. Review status: criteria provided, conflicting classifications (1 of 4 stars). 4 submissions from 4 submitters: Uncertain significance (2); Likely benign (1). 1 of the submissions does not count toward it. Last evaluated 2025-12-14.

Conditions:
Prostate cancer, hereditary, 1 (HPC1). Identifiers: Orphanet 1331, MedGen C4722327, MONDO:0011098, OMIM 601518.
Hereditary cancer-predisposing syndrome. Also called: Neoplastic Syndromes, Hereditary; Tumor predisposition; Hereditary neoplastic syndrome; Hereditary Cancer Syndrome. Identifiers: Orphanet 140162, MedGen C0027672, MeSH D009386, MONDO:0015356.

Allele frequency attached by ClinVar (database versions not stated): TOPMed 0.00001.

Submissions (4):

Labcorp Genetics (formerly Invitae), Labcorp
Classification: Uncertain significance. Last evaluated: 2025-12-14. Review status: criteria provided, single submitter. Criteria: Invitae Variant Classification Sherloc (09022015). Collection method: clinical testing. Allele origin: germline.
Comment: This sequence change replaces alanine, which is neutral and non-polar, with glycine, which is neutral and non-polar, at codon 21 of the HOXB13 protein (p.Ala21Gly). This variant is not present in population databases (gnomAD no frequency). This variant has not been reported in the literature in individuals affected with HOXB13-related conditions. ClinVar contains an entry for this variant (Variation ID: 690937). An algorithm developed to predict the effect of missense changes on protein structure and function (PolyPhen-2) suggests that this variant is likely to be tolerated. In summary, the available evidence is currently insufficient to determine the role of this variant in disease. Therefore, it has been classified as a Variant of Uncertain Significance.

Ambry Genetics
Classification: Likely benign for Hereditary cancer-predisposing syndrome. Last evaluated: 2025-02-24. Review status: criteria provided, single submitter. Criteria: Ambry Variant Classification Scheme 2023. Collection method: clinical testing. Allele origin: germline.

GeneDx
Classification: Uncertain significance. Last evaluated: 2022-09-01. Review status: criteria provided, single submitter. Criteria: GeneDx Variant Classification Process June 2021. Collection method: clinical testing. Allele origin: germline. Affected: yes.
Comment: Not observed at significant frequency in large population cohorts (gnomAD); In silico analysis supports that this missense variant does not alter protein structure/function; Has not been previously published as pathogenic or benign to our knowledge

Laboratory of Virology, Microbiology,  Quality and Medical Biotechnologies, Faculty of Sciences and Techniques - Mohammedia, Hassan II University of Casablanca
Classification: Uncertain significance for Prostate cancer, hereditary, 1. Review status: no assertion criteria provided. Collection method: clinical testing. Allele origin: somatic. Affected: yes. Not counted in ClinVar's aggregate classification.

NM_006361.6(HOXB13):c.62C>G (p.Ala21Gly)

Gene: HOXB13 (homeobox B13; minus strand). Cytogenetic location: 17q21.32.
Variant type: single nucleotide variant.
Coding change: c.62C>G on transcript NM_006361.6 (MANE Select); coding-DNA position 62, C replaced by G.
Protein change: p.Ala21Gly; replaces alanine 21 with glycine.
Molecular consequence: missense variant.
Genome position (GRCh38, 1-based): chr17:48,728,532, G>C on the plus strand (C>G on the coding strand, the complement: HOXB13 is on the minus strand). VCF-style: chr17-48728532-G-C. GRCh37 (hg19) VCF-style: chr17-46805894-G-C.
Other names: short protein forms A21G.
Identifiers: ClinVar variation 690937 (VCV000690937.12), dbSNP rs772484566, ClinGen allele CA400109647.